The following is an entry in ClinVar:

NM_024496.4(IRF2BPL):c.1362C>T (p.Ser454=)

Gene: IRF2BPL (interferon regulatory factor 2 binding protein like; minus strand). Cytogenetic location: 14q24.3.
Variant type: single nucleotide variant.
Coding change: c.1362C>T on transcript NM_024496.4 (MANE Select); coding-DNA position 1362, C replaced by T.
Protein change: p.Ser454=; no amino-acid change (serine 454 retained).
Molecular consequence: synonymous variant.
Genome position (GRCh38, 1-based): chr14:77,026,431, G>A on the plus strand (C>T on the coding strand, the complement: IRF2BPL is on the minus strand). VCF-style: chr14-77026431-G-A. GRCh37 (hg19) VCF-style: chr14-77492774-G-A.
Identifiers: ClinVar variation 2644389 (VCV002644389.24), dbSNP rs368523240, ClinGen allele CA7283688.

ClinVar aggregate classification (germline): Likely benign (1 of 4 stars; one submission).

Allele frequency attached by ClinVar (database versions not stated): TOPMed 0.00002; ExAC 0.00003; gnomAD 0.00003; ESP Exome Variant Server 0.00008.
gnomAD v4.1: 17 of 1,613,390 alleles (0.0011%); highest among the groups gnomAD compares: Admixed American, 0.0033%; no homozygotes.

Submission:

CeGaT Center for Human Genetics Tuebingen
Classification: Likely benign. Last evaluated: 2022-09-01. Review status: criteria provided, single submitter. Criteria: CeGaT Center For Human Genetics Tuebingen Variant Classification Criteria Version 2. Collection method: clinical testing. Allele origin: germline. Affected: yes. Observed: 1 variant allele.
Comment: IRF2BPL: BP4, BP7